The following is an entry in ClinVar:

NM_002439.5(MSH3):c.3265A>T (p.Lys1089Ter)

Gene: MSH3 (mutS homolog 3; plus strand). Cytogenetic location: 5q14.1.
Variant type: single nucleotide variant.
Coding change: c.3265A>T on transcript NM_002439.5 (MANE Select); coding-DNA position 3265, A replaced by T.
Protein change: p.Lys1089Ter; replaces lysine 1089 with a stop codon.
Molecular consequence: nonsense.
Genome position (GRCh38, 1-based): chr5:80,873,250, A>T. VCF-style: chr5-80873250-A-T. GRCh37 (hg19) VCF-style: chr5-80169069-A-T.
Other names: short protein forms K1089*.
Identifiers: ClinVar variation 951203 (VCV000951203.7), dbSNP rs979702683, ClinGen allele CA360347062.
Genomic context (GRCh38, chr5:80,873,250, plus strand): 5'-GGATTAAATGTGGCTAAACTAGCAGATGTTCCTGGAGAAATTTTGAAGAAAGCAGCTCAC[A>T]AGTCAAAAGAGCTGGAAGGATTAATAAATACGAAAAGGTCAGAGTGATTATGCTGCATTT-3'

ClinVar aggregate classification (germline): Uncertain significance (1 of 4 stars; one submission).

Submission:

Labcorp Genetics (formerly Invitae), Labcorp
Classification: Uncertain significance. Last evaluated: 2022-12-30. Review status: criteria provided, single submitter. Criteria: Invitae Variant Classification Sherloc (09022015). Collection method: clinical testing. Allele origin: germline.
Comment: In summary, the available evidence is currently insufficient to determine the role of this variant in disease. Therefore, it has been classified as a Variant of Uncertain Significance. Experimental studies and prediction algorithms are not available or were not evaluated, and the functional significance of this variant is currently unknown. ClinVar contains an entry for this variant (Variation ID: 951203). This variant has not been reported in the literature in individuals affected with MSH3-related conditions. This variant is not present in population databases (gnomAD no frequency). This sequence change creates a premature translational stop signal (p.Lys1089*) in the MSH3 gene. While this is not anticipated to result in nonsense mediated decay, it is expected to disrupt the last 49 amino acid(s) of the MSH3 protein.